The following is an entry in ClinVar:

ClinVar aggregate classification (germline): Uncertain significance (1 of 4 stars; one submission).

Submission:

GeneDx
Classification: Uncertain significance. Last evaluated: 2022-05-09. Review status: criteria provided, single submitter. Criteria: GeneDx Variant Classification Process June 2021. Collection method: clinical testing. Allele origin: germline. Affected: yes.
Comment: Not observed at significant frequency in large population cohorts (gnomAD); In-frame deletion of 30 amino acids in a non-repeat region; In silico analysis supports a deleterious effect on protein structure/function; Has not been previously published as pathogenic or benign to our knowledge

NM_019066.5(MAGEL2):c.837_926del (p.Lys280_Ala309del)

Gene: MAGEL2 (MAGE family member L2; minus strand). Cytogenetic location: 15q11.2.
Variant type: Deletion.
Coding change: c.837_926del on transcript NM_019066.5 (MANE Select); coding-DNA positions 837 to 926, 90 bases deleted.
Protein change: p.Lys280_Ala309del.
Molecular consequence: inframe deletion.
Genome position (GRCh38, 1-based): chr15:23,646,817-23,646,906, 90 bases deleted. GRCh37 (hg19): chr15:23,891,983-23,892,072.
Identifiers: ClinVar variation 1723473 (VCV001723473.2), dbSNP rs2503982709, ClinGen allele CA2580089122.